The following is an entry in ClinVar:

ClinVar aggregate classification (germline): Uncertain significance (1 of 4 stars; one submission).

Submission:

GeneDx
Classification: Uncertain significance. Last evaluated: 2024-02-14. Review status: criteria provided, single submitter. Criteria: GeneDx Variant Classification Process June 2021. Collection method: clinical testing. Allele origin: germline. Affected: yes.
Comment: Not observed at significant frequency in large population cohorts (gnomAD); In silico analysis supports that this missense variant does not alter protein structure/function; Has not been previously published as pathogenic or benign to our knowledge

NM_000503.6(EYA1):c.341T>C (p.Phe114Ser)

Gene: EYA1 (EYA transcriptional coactivator and phosphatase 1; minus strand). Cytogenetic location: 8q13.3.
Variant type: single nucleotide variant.
Coding change: c.341T>C on transcript NM_000503.6 (MANE Select); coding-DNA position 341, T replaced by C.
Protein change: p.Phe114Ser; replaces phenylalanine 114 with serine.
Molecular consequence: missense variant. On other transcripts: 5 prime UTR variant (1).
Genome position (GRCh38, 1-based): chr8:71,321,811, A>G on the plus strand (T>C on the coding strand, the complement: EYA1 is on the minus strand). VCF-style: chr8-71321811-A-G. GRCh37 (hg19) VCF-style: chr8-72234046-A-G.
Other names: c.338T>C, p.Phe113Ser (NM_001288574.2); c.-11T>C (NM_001288575.2); c.428T>C, p.Phe143Ser (NM_001370333.1, NM_172059.5); c.341T>C, p.Phe114Ser (NM_001370334.1, NM_001370335.1, NM_172058.4); c.425T>C, p.Phe142Ser (NM_001370336.1); c.242T>C, p.Phe81Ser (NM_001411797.1, NM_172060.4); short protein forms F113S, F114S, F142S, F143S, F81S.
Identifiers: ClinVar variation 3369113 (VCV003369113.1).